The following is an entry in ClinVar:

ClinVar aggregate classification (germline): Conflicting classifications of pathogenicity. Review status: criteria provided, conflicting classifications (1 of 4 stars). 3 submissions from 3 submitters: Uncertain significance (2); Likely benign (1). Last evaluated 2025-12-24.

Conditions:
Renal cell carcinoma. Identifiers: Orphanet 217071, MedGen C0007134, MeSH D002292, MONDO:0005086, HP:0005584.
Hereditary cancer-predisposing syndrome. Also called: Hereditary neoplastic syndrome; Tumor predisposition; Neoplastic Syndromes, Hereditary; Hereditary Cancer Syndrome. Identifiers: Orphanet 140162, MedGen C0027672, MeSH D009386, MONDO:0015356.

Allele frequency attached by ClinVar (database versions not stated): gnomAD exomes below 0.00001 and 0.00001; ExAC 0.00002.
gnomAD v4.1: 5 of 1,614,170 alleles (0.00031%); highest among the groups gnomAD compares: Admixed American, 0.0067%; no homozygotes.

Submissions (3):

Labcorp Genetics (formerly Invitae), Labcorp
Classification: Uncertain significance for Renal cell carcinoma. Last evaluated: 2025-12-24. Review status: criteria provided, single submitter. Criteria: Invitae Variant Classification Sherloc (09022015). Collection method: clinical testing. Allele origin: germline.
Comment: This sequence change replaces alanine, which is neutral and non-polar, with threonine, which is neutral and polar, at codon 1261 of the MET protein (p.Ala1261Thr). This variant is present in population databases (rs752351789, gnomAD 0.009%). This variant has not been reported in the literature in individuals affected with MET-related conditions. ClinVar contains an entry for this variant (Variation ID: 956637). Invitae Evidence Modeling of protein sequence and biophysical properties (such as structural, functional, and spatial information, amino acid conservation, physicochemical variation, residue mobility, and thermodynamic stability) has been performed for this missense variant. However, the output from this modeling did not meet the statistical confidence thresholds required to predict the impact of this variant on MET protein function. Algorithms developed to predict the effect of sequence changes on RNA splicing suggest that this variant may create or strengthen a splice site. In summary, the available evidence is currently insufficient to determine the role of this variant in disease. Therefore, it has been classified as a Variant of Uncertain Significance.

Quest Diagnostics Nichols Institute San Juan Capistrano
Classification: Uncertain significance. Last evaluated: 2024-11-16. Review status: criteria provided, single submitter. Criteria: Quest Diagnostics criteria. Collection method: clinical testing. Allele origin: unknown.
Comment: The MET c.3781G>A (p.Ala1261Thr) variant has not been reported in individuals with MET-related conditions in the published literature. The frequency of this variant in the general population, 0.000087 (3/34514 chromosomes (Genome Aggregation Database)), is uninformative in the assessment of its pathogenicity. Analysis of this variant using bioinformatics tools for the prediction of the effect of amino acid changes on protein structure and function yielded predictions that this variant is damaging. Additional analysis using software algorithms for the prediction of the effect of nucleotide changes on MET mRNA splicing yielded predictions that this variant may result in the gain of a cryptic splice site without affecting the natural splice sites. Based on the available information, we are unable to determine the clinical significance of this variant.

Ambry Genetics
Classification: Likely benign for Hereditary cancer-predisposing syndrome. Last evaluated: 2023-08-21. Review status: criteria provided, single submitter. Criteria: Ambry Variant Classification Scheme 2023. Collection method: clinical testing. Allele origin: germline.

NM_000245.4(MET):c.3727G>A (p.Ala1243Thr)

Gene: MET (MET proto-oncogene, receptor tyrosine kinase; plus strand). Cytogenetic location: 7q31.2.
Variant type: single nucleotide variant.
Coding change: c.3727G>A on transcript NM_000245.4 (MANE Select); coding-DNA position 3727, G replaced by A.
Protein change: p.Ala1243Thr; replaces alanine 1243 with threonine.
Molecular consequence: missense variant.
Genome position (GRCh38, 1-based): chr7:116,783,398, G>A. VCF-style: chr7-116783398-G-A. GRCh37 (hg19) VCF-style: chr7-116423452-G-A.
Other names: c.3781G>A (NM_001127500.2); c.3781G>A, p.Ala1261Thr (NM_001127500.3); c.2437G>A, p.Ala813Thr (NM_001324402.2); short protein forms A1243T, A813T, A1261T.
Identifiers: ClinVar variation 956637 (VCV000956637.9), dbSNP rs752351789, ClinGen allele CA4448768.
Genomic context (GRCh38, chr7:116,783,398, plus strand): 5'-TTTGGTCTTGCCAGAGACATGTATGATAAAGAATACTATAGTGTACACAACAAAACAGGT[G>A]CAAAGCTGCCAGTGAAGTGGATGGCTTTGGAAAGTCTGCAAACTCAAAAGTTTACCACCA-3'
Protein context (NP_000236.2, residues 1233-1253): EYYSVHNKTG[Ala1243Thr]KLPVKWMALE